The following is an entry in ClinVar:

ClinVar aggregate classification (germline): Uncertain significance (1 of 4 stars; one submission).

Conditions:
Multiple endocrine neoplasia, type 1 (MEN1). Also called: Endocrine adenomatosis multiple; MEN 1; MEA I; MEN I; WERMER SYNDROME. Identifiers: Orphanet 652, MedGen C0025267, MeSH D018761, MONDO:0007540, OMIM 131100.

Submission:

All of Us Research Program, National Institutes of Health
Classification: Uncertain significance for Multiple endocrine neoplasia, type 1. Last evaluated: 2023-04-03. Review status: criteria provided, single submitter. Criteria: ACMG Guidelines, 2015. Collection method: clinical testing. Allele origin: germline. Inheritance: Autosomal dominant inheritance. Observed: 1 variant allele, 1 heterozygote.
Comment: This missense variant replaces glycine with alanine at codon 509 of the MEN1 protein. Computational prediction suggests that this variant may not impact protein structure and function (internally defined REVEL score threshold <= 0.5, PMID: 27666373). To our knowledge, functional studies have not been reported for this variant. This variant has not been reported in individuals affected with MEN1-related disorders in the literature. This variant has not been identified in the general population by the Genome Aggregation Database (gnomAD). The available evidence is insufficient to determine the role of this variant in disease conclusively. Therefore, this variant is classified as a Variant of Uncertain Significance.

This study involves interpretation of variants in research participants for the purpose of population health screening. Participant phenotype was not available at the time of variant classification. Additional details can be found in publication PMID: 35346344, PMCID: PMC8962531

NM_001370259.2(MEN1):c.1526G>C (p.Gly509Ala)

Gene: MEN1 (menin 1; minus strand). Cytogenetic location: 11q13.1.
Variant type: single nucleotide variant.
Coding change: c.1526G>C on transcript NM_001370259.2 (MANE Select); coding-DNA position 1526, G replaced by C.
Protein change: p.Gly509Ala; replaces glycine 509 with alanine.
Molecular consequence: missense variant. On other transcripts: non-coding transcript variant (4).
Genome position (GRCh38, 1-based): chr11:64,804,641, C>G on the plus strand (G>C on the coding strand, the complement: MEN1 is on the minus strand). VCF-style: chr11-64804641-C-G. GRCh37 (hg19) VCF-style: chr11-64572113-C-G.
Other names: c.1541G>C, p.Gly514Ala (NM_000244.4, NM_001407145.1, NM_130800.3 and 4 more transcripts); c.1652G>C, p.Gly551Ala (NM_001370251.2, NM_001407142.1, NM_001407143.1 and 1 more transcripts); c.1526G>C, p.Gly509Ala (NM_001370260.2, NM_001370261.2, NM_001407146.1 and 2 more transcripts); c.1421G>C, p.Gly474Ala (NM_001370262.2, NM_001370263.2, NM_001407148.1 and 1 more transcripts); c.1667G>C, p.Gly556Ala (NM_001407150.1); c.1547G>C, p.Gly516Ala (NM_001407151.1); c.1361G>C, p.Gly454Ala (NM_001407152.1); short protein forms G454A, G474A, G509A, G514A, G516A, G551A, G556A.
Identifiers: ClinVar variation 3070329 (VCV003070329.1), dbSNP rs769355346, ClinGen allele CA381178673.